The following is an entry in ClinVar:

ClinVar aggregate classification (germline): Conflicting classifications of pathogenicity. Review status: criteria provided, conflicting classifications (1 of 4 stars). 9 submissions from 9 submitters: Uncertain significance (5); Likely benign (1). 3 of the submissions do not count toward it. Last evaluated 2025-12-29.

Conditions:
Inborn genetic diseases. Identifiers: MedGen C0950123, MeSH D030342.
Retinal dystrophy. Also called: Inherited retinal dystrophy. Identifiers: Orphanet 71862, MedGen C0854723, MeSH D058499, MONDO:0019118, HP:0000556.
Usher syndrome type 2C. Also called: Usher syndrome, type 2B; USHER SYNDROME, TYPE IIC. Identifiers: Orphanet 231178, Orphanet 886, MedGen C2931213, MONDO:0011558, OMIM 605472.

Allele frequency attached by ClinVar (database versions not stated): ExAC 0.00009; gnomAD exomes 0.00010; ESP Exome Variant Server 0.00016; gnomAD 0.00019; TOPMed 0.00024; 1000 Genomes Project 30x 0.00078; 1000 Genomes Project 0.00080.
gnomAD v4.1: 234 of 1,613,676 alleles (0.015%); highest among the groups gnomAD compares: African/African-American, 0.063%; no homozygotes.

Submissions (9):

Labcorp Genetics (formerly Invitae), Labcorp
Classification: Likely benign. Last evaluated: 2025-12-29. Review status: criteria provided, single submitter. Criteria: Invitae Variant Classification Sherloc (09022015). Collection method: clinical testing. Allele origin: germline.

Blueprint Genetics
Classification: Uncertain significance. Last evaluated: 2024-08-26. Review status: criteria provided, single submitter. Criteria: ACMG Guidelines, 2015. Collection method: clinical testing. Allele origin: germline.

Ambry Genetics
Classification: Uncertain significance for Inborn genetic diseases. Last evaluated: 2022-02-09. Review status: criteria provided, single submitter. Criteria: Ambry Variant Classification Scheme 2023. Collection method: clinical testing. Allele origin: germline.

GeneDx
Classification: Uncertain significance. Last evaluated: 2022-01-10. Review status: criteria provided, single submitter. Criteria: GeneDx Variant Classification Process June 2021. Collection method: clinical testing. Allele origin: germline. Affected: yes.
Comment: In silico analysis supports that this missense variant has a deleterious effect on protein structure/function; Has not been previously published as pathogenic or benign to our knowledge

Illumina Laboratory Services, Illumina
Classification: Uncertain significance for Usher syndrome type 2C. Last evaluated: 2018-01-13. Review status: criteria provided, single submitter. Criteria: ICSL Variant Classification Criteria 13 December 2019. Collection method: clinical testing. Allele origin: germline.

Laboratory for Molecular Medicine, Mass General Brigham Personalized Medicine
Classification: Uncertain significance. Last evaluated: 2013-11-09. Review status: criteria provided, single submitter. Criteria: LMM Criteria. Collection method: clinical testing. Allele origin: germline. Observed: 1 variant allele.
Comment: Variant classified as Uncertain Significance - Favor Benign. The Glu2623Lys vari ant has not been previously reported in individuals with hearing loss, but has b een identified in 0.05% (2/4078) of African American chromosomes by the NHLBI Ex ome Sequencing Project and in 1% (2/192) of Luhya (Kenya) chromosomes by the 100 0 Genomes Project (dbSNP rs146526977). Howeve r, these frequencies are not high enough to rule out a pathogenic role. Computat ional analyses (biochemical amino acid properties, conservation, AlignGVGD, Poly Phen2, and SIFT) do not provide strong support for or against an impact to the p rotein. In summary, the clinical significance of this variant cannot be determin ed with certainty; however based upon its frequency in the Luhya population, we would lean towards a more likely benign role.

Institute of Human Genetics, Univ. Regensburg, Univ. Regensburg
Classification: Uncertain significance for Retinal dystrophy. Last evaluated: 2017-01-01. Review status: no assertion criteria provided. Criteria: ACMG Guidelines, 2015. Collection method: clinical testing. Allele origin: germline. Affected: yes. Not counted in ClinVar's aggregate classification.

Clinical Genetics DNA and cytogenetics Diagnostics Lab, Erasmus MC, Erasmus Medical Center
Classification: Uncertain significance. Review status: no assertion criteria provided. Collection method: clinical testing. Allele origin: germline. Affected: yes. Study: VKGL Data-share Consensus. Not counted in ClinVar's aggregate classification.

Joint Genome Diagnostic Labs from Nijmegen and Maastricht, Radboudumc and MUMC+
Classification: Uncertain significance. Review status: no assertion criteria provided. Collection method: clinical testing. Allele origin: germline. Affected: yes. Study: VKGL Data-share Consensus. Not counted in ClinVar's aggregate classification.

NM_032119.4(ADGRV1):c.7867G>A (p.Glu2623Lys)

Gene: ADGRV1 (adhesion G protein-coupled receptor V1; plus strand). Cytogenetic location: 5q14.3.
Variant type: single nucleotide variant.
Coding change: c.7867G>A on transcript NM_032119.4 (MANE Select); coding-DNA position 7867, G replaced by A.
Protein change: p.Glu2623Lys; replaces glutamic acid 2623 with lysine.
Molecular consequence: missense variant. On other transcripts: non-coding transcript variant (1).
Genome position (GRCh38, 1-based): chr5:90,694,623, G>A. VCF-style: chr5-90694623-G-A. GRCh37 (hg19) VCF-style: chr5-89990440-G-A.
Other names: short protein forms E2623K.
Identifiers: ClinVar variation 163583 (VCV000163583.21), dbSNP rs146526977, ClinGen allele CA176199.